The following is an entry in ClinVar:

NM_004336.5(BUB1):c.1361C>T (p.Ser454Phe)

Gene: BUB1 (BUB1 mitotic checkpoint serine/threonine kinase; minus strand). Cytogenetic location: 2q13.
Variant type: single nucleotide variant.
Coding change: c.1361C>T on transcript NM_004336.5 (MANE Select); coding-DNA position 1361, C replaced by T.
Protein change: p.Ser454Phe; replaces serine 454 with phenylalanine.
Molecular consequence: missense variant.
Genome position (GRCh38, 1-based): chr2:110,658,658, G>A on the plus strand (C>T on the coding strand, the complement: BUB1 is on the minus strand). VCF-style: chr2-110658658-G-A. GRCh37 (hg19) VCF-style: chr2-111416235-G-A.
Other names: c.1301C>T, p.Ser434Phe (NM_001278616.2); c.1361C>T, p.Ser454Phe (NM_001278617.2); short protein forms S434F, S454F.
Identifiers: ClinVar variation 3223998 (VCV003223998.1), dbSNP rs1689997725, ClinGen allele CA348212590.

ClinVar aggregate classification (germline): Uncertain significance (1 of 4 stars; one submission).

Allele frequency attached by ClinVar (database versions not stated): TOPMed below 0.00001.

Submission:

Ambry Genetics
Classification: Uncertain significance. Last evaluated: 2024-01-29. Review status: criteria provided, single submitter. Criteria: Ambry Variant Classification Scheme 2023. Collection method: clinical testing. Allele origin: germline.
Comment: The p.S454F variant (also known as c.1361C>T), located in coding exon 12 of the BUB1 gene, results from a C to T substitution at nucleotide position 1361. The serine at codon 454 is replaced by phenylalanine, an amino acid with highly dissimilar properties. This amino acid position is conserved. In addition, this alteration is predicted to be tolerated by in silico analysis. Based on the available evidence, the clinical significance of this alteration remains unclear.